The following is an entry in ClinVar:

NM_006907.4(PYCR1):c.875T>C (p.Leu292Pro)

Gene: PYCR1 (pyrroline-5-carboxylate reductase 1; minus strand). Cytogenetic location: 17q25.3.
Variant type: single nucleotide variant.
Coding change: c.875T>C on transcript NM_006907.4 (MANE Select); coding-DNA position 875, T replaced by C.
Protein change: p.Leu292Pro; replaces leucine 292 with proline.
Molecular consequence: missense variant. On other transcripts: 3 prime UTR variant (1), intron variant (1).
Genome position (GRCh38, 1-based): chr17:81,933,299, A>G on the plus strand (T>C on the coding strand, the complement: PYCR1 is on the minus strand). VCF-style: chr17-81933299-A-G. GRCh37 (hg19) VCF-style: chr17-79891175-A-G.
Other names: c.782T>C, p.Leu261Pro (NM_001282279.2); c.875T>C, p.Leu292Pro (NM_001282280.2); c.956T>C, p.Leu319Pro (NM_001282281.2); c.*57T>C (NM_001330523.2); c.867+8T>C (NM_153824.3); short protein forms L292P, L261P, L319P.
Identifiers: ClinVar variation 1975742 (VCV001975742.6), dbSNP rs377033274, ClinGen allele CA8845244.

ClinVar aggregate classification (germline): Uncertain significance. Review status: criteria provided, multiple submitters, no conflicts (2 of 4 stars). 2 submissions from 2 submitters: Uncertain significance (2). Last evaluated 2022-03-26.

Conditions:
Inborn genetic diseases. Identifiers: MedGen C0950123, MeSH D030342.

Allele frequency attached by ClinVar (database versions not stated): ExAC 0.00001; gnomAD 0.00001; TOPMed 0.00002; ESP Exome Variant Server 0.00008.

Submissions (2):

Labcorp Genetics (formerly Invitae), Labcorp
Classification: Uncertain significance. Last evaluated: 2022-03-26. Review status: criteria provided, single submitter. Criteria: Invitae Variant Classification Sherloc (09022015). Collection method: clinical testing. Allele origin: germline.
Comment: This variant has not been reported in the literature in individuals affected with PYCR1-related conditions. Algorithms developed to predict the effect of missense changes on protein structure and function are either unavailable or do not agree on the potential impact of this missense change (SIFT: "Deleterious"; PolyPhen-2: "Possibly Damaging"; Align-GVGD: "Class C0"). In summary, the available evidence is currently insufficient to determine the role of this variant in disease. Therefore, it has been classified as a Variant of Uncertain Significance. This variant is present in population databases (rs377033274, gnomAD 0.007%). This sequence change replaces leucine, which is neutral and non-polar, with proline, which is neutral and non-polar, at codon 292 of the PYCR1 protein (p.Leu292Pro).

Ambry Genetics
Classification: Uncertain significance for Inborn genetic diseases. Last evaluated: 2022-01-10. Review status: criteria provided, single submitter. Criteria: Ambry Variant Classification Scheme 2023. Collection method: clinical testing. Allele origin: germline.